The following is an entry in ClinVar:

ClinVar aggregate classification (germline): Uncertain significance. Review status: criteria provided, multiple submitters, no conflicts (2 of 4 stars). 2 submissions from 2 submitters: Uncertain significance (2). Last evaluated 2025-10-23.

Conditions:
Inborn genetic diseases. Identifiers: MedGen C0950123, MeSH D030342.

Allele frequency attached by ClinVar (database versions not stated): ExAC 0.00038.
gnomAD v4.1: 97 of 1,541,084 alleles (0.0063%); highest among the groups gnomAD compares: Middle Eastern, 0.067%; no homozygotes.

Submissions (2):

Ambry Genetics
Classification: Uncertain significance for Inborn genetic diseases. Last evaluated: 2025-10-23. Review status: criteria provided, single submitter. Criteria: Ambry Variant Classification Scheme 2023. Collection method: clinical testing. Allele origin: germline.

Labcorp Genetics (formerly Invitae), Labcorp
Classification: Uncertain significance. Last evaluated: 2025-06-23. Review status: criteria provided, single submitter. Criteria: Invitae Variant Classification Sherloc (09022015). Collection method: clinical testing. Allele origin: germline.
Comment: This sequence change replaces arginine, which is basic and polar, with cysteine, which is neutral and slightly polar, at codon 59 of the TONSL protein (p.Arg59Cys). This variant is present in population databases (rs752906055, gnomAD 0.04%). This variant has not been reported in the literature in individuals affected with TONSL-related conditions. ClinVar contains an entry for this variant (Variation ID: 2193923). Invitae Evidence Modeling of protein sequence and biophysical properties (such as structural, functional, and spatial information, amino acid conservation, physicochemical variation, residue mobility, and thermodynamic stability) indicates that this missense variant is not expected to disrupt TONSL protein function with a negative predictive value of 80%. In summary, the available evidence is currently insufficient to determine the role of this variant in disease. Therefore, it has been classified as a Variant of Uncertain Significance.

NM_013432.5(TONSL):c.175C>T (p.Arg59Cys)

Gene: TONSL (tonsoku like, DNA repair protein; minus strand). Cytogenetic location: 8q24.3.
Variant type: single nucleotide variant.
Coding change: c.175C>T on transcript NM_013432.5 (MANE Select); coding-DNA position 175, C replaced by T.
Protein change: p.Arg59Cys; replaces arginine 59 with cysteine.
Molecular consequence: missense variant.
Genome position (GRCh38, 1-based): chr8:144,443,971, G>A on the plus strand (C>T on the coding strand, the complement: TONSL is on the minus strand). VCF-style: chr8-144443971-G-A. GRCh37 (hg19) VCF-style: chr8-145669354-G-A.
Other names: c.175C>T (NM_013432.4); short protein forms R59C.
Identifiers: ClinVar variation 2193923 (VCV002193923.4), dbSNP rs752906055, ClinGen allele CA4943691.